The following is an entry in ClinVar:

NM_003322.6(TULP1):c.544A>G (p.Arg182Gly)

Gene: TULP1 (TUB like protein 1; minus strand). Cytogenetic location: 6p21.31.
Variant type: single nucleotide variant.
Coding change: c.544A>G on transcript NM_003322.6 (MANE Select); coding-DNA position 544, A replaced by G.
Protein change: p.Arg182Gly; replaces arginine 182 with glycine.
Molecular consequence: missense variant.
Genome position (GRCh38, 1-based): chr6:35,509,884, T>C on the plus strand (A>G on the coding strand, the complement: TULP1 is on the minus strand). VCF-style: chr6-35509884-T-C. GRCh37 (hg19) VCF-style: chr6-35477661-T-C.
Other names: c.385A>G, p.Arg129Gly (NM_001289395.2); c.544A>G (NM_003322.5); short protein forms R182G, R129G.
Identifiers: ClinVar variation 356470 (VCV000356470.18), dbSNP rs142641513, ClinGen allele CA3772881.
Genomic context (GRCh38, chr6:35,509,884, plus strand): 5'-CACCTTTCTTCTTGGTCTTTCTCATCTTGGTCCCCTCCCCTGCTGGAGCTTCCTTATTCC[T>C]AACACGCAGAGGTTTCGGTGGGGGGTCAGGGCTTCCCAGGTCTCCTGGAAATGGAAGATG-3'
Protein context (NP_003313.3, residues 172-192): PDPPPKPLRV[Arg182Gly]NKEAPAGEGT

ClinVar aggregate classification (germline): Conflicting classifications of pathogenicity. Review status: criteria provided, conflicting classifications (1 of 4 stars). 5 submissions from 4 submitters: Uncertain significance (2); Likely benign (2). 1 of the submissions does not count toward it. Last evaluated 2026-07-01.

Conditions:
Leber congenital amaurosis 15 (LCA15). Identifiers: Orphanet 65, MedGen C3151206, MONDO:0013457, OMIM 613843.
TULP1-related disorder. Also called: TULP1-related condition; TULP1-related disorders.
Retinitis pigmentosa (RP). Identifiers: Orphanet 791, MedGen C0035334, MeSH D012174, MONDO:0019200, OMIM 268000. Inheritance: Autosomal dominant, autosomal recessive and X linked inheritance.

Allele frequency attached by ClinVar (database versions not stated): TOPMed 0.00041; ESP Exome Variant Server 0.00077; gnomAD exomes 0.00093 and 0.00135; gnomAD 0.00114 and 0.00121; ExAC 0.00131.

Submissions (5):

CeGaT Center for Human Genetics Tuebingen
Classification: Likely benign. Last evaluated: 2026-07-01. Review status: criteria provided, single submitter. Criteria: CeGaT Center For Human Genetics Tuebingen Variant Classification Criteria Version 2. Collection method: clinical testing. Allele origin: germline. Affected: yes. Observed: 1 variant allele.
Comment: TULP1: BP4

Labcorp Genetics (formerly Invitae), Labcorp
Classification: Likely benign. Last evaluated: 2026-01-21. Review status: criteria provided, single submitter. Criteria: Invitae Variant Classification Sherloc (09022015). Collection method: clinical testing. Allele origin: germline.

Illumina Laboratory Services, Illumina
Classification: Uncertain significance for Retinitis pigmentosa. Last evaluated: 2018-01-13. Review status: criteria provided, single submitter. Criteria: ICSL Variant Classification Criteria 13 December 2019. Collection method: clinical testing. Allele origin: germline.

Illumina Laboratory Services, Illumina
Classification: Uncertain significance for Leber congenital amaurosis 15. Last evaluated: 2018-01-13. Review status: criteria provided, single submitter. Criteria: ICSL Variant Classification Criteria 13 December 2019. Collection method: clinical testing. Allele origin: germline.

PreventionGenetics, part of Exact Sciences
Classification: Benign for TULP1-related condition. Last evaluated: 2024-09-08. Review status: no assertion criteria provided. Collection method: clinical testing. Allele origin: germline. Not counted in ClinVar's aggregate classification.
Comment: This variant is classified as benign based on ACMG/AMP sequence variant interpretation guidelines (Richards et al. 2015 PMID: 25741868, with internal and published modifications).